The following is an entry in ClinVar:

ClinVar aggregate classification (germline): Benign (1 of 4 stars; one submission).

Conditions:
Disorders of Intracellular Cobalamin Metabolism. Identifiers: MedGen CN043592.

Allele frequency attached by ClinVar (database versions not stated): gnomAD exomes 0.00778; 1000 Genomes Project 0.00799; 1000 Genomes Project 30x 0.00843; gnomAD 0.01653 and 0.01738; TOPMed 0.01718.

Submission:

Illumina Laboratory Services, Illumina
Classification: Benign for Disorders of Intracellular Cobalamin Metabolism. Last evaluated: 2018-01-12. Review status: criteria provided, single submitter. Criteria: ICSL Variant Classification Criteria 13 December 2019. Collection method: clinical testing. Allele origin: germline.
Comment: This variant was observed in the ICSL laboratory as part of a predisposition screen in an ostensibly healthy population. It had not been previously curated by ICSL or reported in the Human Gene Mutation Database (HGMD: prior to June 1st, 2018), and was therefore a candidate for classification through an automated scoring system. Utilizing variant allele frequency, disease prevalence and penetrance estimates, and inheritance mode, an automated score was calculated to assess if this variant is too frequent to cause the disease. Based on the score and internal cut-off values, a variant classified as benign is not then subjected to further curation. The score for this variant resulted in a classification of benign for this disease.

NM_002454.3(MTRR):c.*648C>A

Gene: MTRR (5-methyltetrahydrofolate-homocysteine methyltransferase reductase; plus strand). Cytogenetic location: 5p15.31.
Variant type: single nucleotide variant.
Coding change: c.*648C>A on transcript NM_002454.3 (MANE Select); 648 bases downstream of the stop codon, C replaced by A.
Molecular consequence: 3 prime UTR variant. On other transcripts: non-coding transcript variant (14).
Genome position (GRCh38, 1-based): chr5:7,900,706, C>A. VCF-style: chr5-7900706-C-A. GRCh37 (hg19) VCF-style: chr5-7900819-C-A.
Other names: c.*648C>A (NM_001364440.2, NM_001364441.2, NM_001364442.2 and 1 more transcripts).
Identifiers: ClinVar variation 905498 (VCV000905498.4), dbSNP rs9282790, ClinGen allele CA113819028.